The following is an entry in ClinVar:

NM_002439.5(MSH3):c.3302+6_3302+7del

Gene: MSH3 (mutS homolog 3; plus strand). Cytogenetic location: 5q14.1.
Variant type: Microsatellite.
Coding change: c.3302+6_3302+7del on transcript NM_002439.5 (MANE Select); bases 6 to 7 of the intron after coding-DNA position 3302, 2 bases deleted (AG; older notation c.3302+6_3302+7delAG).
Molecular consequence: intron variant.
Genome position (GRCh38, 1-based): chr5:80,873,293-80,873,294, AG deleted; deleting any 2 consecutive bases within chr5:80,873,291-80,873,294 gives the same sequence; the c. name uses the placement nearest the transcript's 3' end. VCF-style (leftmost placement, unchanged base first): chr5-80873290-CAG-C. GRCh37 (hg19) VCF-style: chr5-80169109-CAG-C.
Identifiers: ClinVar variation 2876985 (VCV002876985.3), dbSNP rs2478805558, ClinGen allele CA2674446331.

ClinVar aggregate classification (germline): Uncertain significance (1 of 4 stars; one submission).

Submission:

Labcorp Genetics (formerly Invitae), Labcorp
Classification: Uncertain significance. Last evaluated: 2022-12-21. Review status: criteria provided, single submitter. Criteria: Invitae Variant Classification Sherloc (09022015). Collection method: clinical testing. Allele origin: germline.
Comment: In summary, the available evidence is currently insufficient to determine the role of this variant in disease. Therefore, it has been classified as a Variant of Uncertain Significance. This sequence change falls in intron 23 of the MSH3 gene. It does not directly change the encoded amino acid sequence of the MSH3 protein. It affects a nucleotide within the consensus splice site. This variant is not present in population databases (gnomAD no frequency). This variant has not been reported in the literature in individuals affected with MSH3-related conditions. Variants that disrupt the consensus splice site are a relatively common cause of aberrant splicing (PMID: 17576681, 9536098). Algorithms developed to predict the effect of sequence changes on RNA splicing suggest that this variant is not likely to affect RNA splicing.

Literature cited by the submitters: PubMed 17576681; PubMed 9536098.